The following is an entry in ClinVar:

NM_138701.4(MPLKIP):c.147C>A (p.His49Gln)

Gene: MPLKIP (M-phase specific PLK1 interacting protein; minus strand). Cytogenetic location: 7p14.1.
Variant type: single nucleotide variant.
Coding change: c.147C>A on transcript NM_138701.4 (MANE Select); coding-DNA position 147, C replaced by A.
Protein change: p.His49Gln; replaces histidine 49 with glutamine.
Molecular consequence: missense variant.
Genome position (GRCh38, 1-based): chr7:40,134,421, G>T on the plus strand (C>A on the coding strand, the complement: MPLKIP is on the minus strand). VCF-style: chr7-40134421-G-T. GRCh37 (hg19) VCF-style: chr7-40174020-G-T.
Other names: c.147C>A (NM_138701.3); short protein forms H49Q.
Identifiers: ClinVar variation 1379941 (VCV001379941.6), dbSNP rs917376489, ClinGen allele CA157713273.

ClinVar aggregate classification (germline): Uncertain significance. Review status: criteria provided, multiple submitters, no conflicts (2 of 4 stars). 2 submissions from 2 submitters: Uncertain significance (2). Last evaluated 2025-05-20.

Conditions:
Inborn genetic diseases. Identifiers: MedGen C0950123, MeSH D030342.

Allele frequency attached by ClinVar (database versions not stated): gnomAD exomes 0.00001; TOPMed 0.00002; gnomAD 0.00003 and 0.00004.
gnomAD v4.1: 7 of 1,564,912 alleles (0.00045%); highest among the groups gnomAD compares: African/African-American, 0.0027%; no homozygotes.

Submissions (2):

Ambry Genetics
Classification: Uncertain significance for Inborn genetic diseases. Last evaluated: 2025-05-20. Review status: criteria provided, single submitter. Criteria: Ambry Variant Classification Scheme 2023. Collection method: clinical testing. Allele origin: germline.

Labcorp Genetics (formerly Invitae), Labcorp
Classification: Uncertain significance. Last evaluated: 2022-06-20. Review status: criteria provided, single submitter. Criteria: Invitae Variant Classification Sherloc (09022015). Collection method: clinical testing. Allele origin: germline.
Comment: This sequence change replaces histidine, which is basic and polar, with glutamine, which is neutral and polar, at codon 49 of the MPLKIP protein (p.His49Gln). The frequency data for this variant in the population databases is considered unreliable, as metrics indicate poor data quality at this position in the gnomAD database. This variant has not been reported in the literature in individuals affected with MPLKIP-related conditions. Algorithms developed to predict the effect of missense changes on protein structure and function are either unavailable or do not agree on the potential impact of this missense change (SIFT: "Deleterious"; PolyPhen-2: "Possibly Damaging"; Align-GVGD: "Class C0"). In summary, the available evidence is currently insufficient to determine the role of this variant in disease. Therefore, it has been classified as a Variant of Uncertain Significance.